The following is an entry in ClinVar:

NM_001387430.1(SH2B1):c.2083G>A (p.Val695Met)

Gene: SH2B1 (SH2B adaptor protein 1; plus strand). Cytogenetic location: 16p11.2.
Variant type: single nucleotide variant.
Coding change: c.2083G>A on transcript NM_001387430.1 (MANE Select); coding-DNA position 2083, G replaced by A.
Protein change: p.Val695Met; replaces valine 695 with methionine.
Molecular consequence: missense variant. On other transcripts: 3 prime UTR variant (5).
Genome position (GRCh38, 1-based): chr16:28,873,632, G>A. VCF-style: chr16-28873632-G-A. GRCh37 (hg19) VCF-style: chr16-28884953-G-A.
Other names: c.2083G>A, p.Val695Met (NM_001145795.2, NM_001308293.2, NM_001387404.1); c.*167G>A (NM_001145796.2, NM_001145812.2, NM_001308294.2 and 1 more transcripts); c.*184G>A (NM_001145797.2); short protein forms V695M.
Identifiers: ClinVar variation 2634230 (VCV002634230.5), dbSNP rs375992097, ClinGen allele CA7986439.

ClinVar aggregate classification (germline): Uncertain significance. Review status: criteria provided, multiple submitters, no conflicts (2 of 4 stars). 2 submissions from 2 submitters: Uncertain significance (2). Last evaluated 2026-04-19.

Conditions:
SH2B1-related disorder. Also called: SH2B1-related condition.

Allele frequency attached by ClinVar (database versions not stated): gnomAD exomes 0.00014; gnomAD 0.00015; ESP Exome Variant Server 0.00022; TOPMed 0.00028.
gnomAD v4.1: 233 of 1,538,572 alleles (0.015%); highest among the groups gnomAD compares: Middle Eastern, 0.1%; no homozygotes.

Submissions (2):

PreventionGenetics, part of Exact Sciences
Classification: Uncertain significance for SH2B1-related condition. Last evaluated: 2026-04-19. Review status: criteria provided, single submitter. Criteria: ACMG Guidelines, 2015. Collection method: clinical testing. Allele origin: germline.
Comment: The SH2B1 c.2083G>A variant is predicted to result in the amino acid substitution p.Val695Met. This variant has been reported in the homozygous state in one individual with severe obesity; however, functional assays indicated that the p.Val695Met substitution does not affect protein activity (Pearce et al. 2014. PubMed ID: 24971614). This variant is reported in 0.013% of alleles in individuals of Ashkenazi Jewish descent in gnomAD. At this time, the clinical significance of this variant is uncertain due to the absence of conclusive functional and genetic evidence.

Labcorp Genetics (formerly Invitae), Labcorp
Classification: Uncertain significance. Last evaluated: 2025-03-05. Review status: criteria provided, single submitter. Criteria: Invitae Variant Classification Sherloc (09022015). Collection method: clinical testing. Allele origin: germline.
Comment: This sequence change replaces valine, which is neutral and non-polar, with methionine, which is neutral and non-polar, at codon 695 of the SH2B1 protein (p.Val695Met). This variant is present in population databases (rs375992097, gnomAD 0.01%). This missense change has been observed in individual(s) with obesity (PMID: 24971614). ClinVar contains an entry for this variant (Variation ID: 2634230). An algorithm developed to predict the effect of missense changes on protein structure and function outputs the following: PolyPhen-2: "Benign". The methionine amino acid residue is found in multiple mammalian species, which suggests that this missense change does not adversely affect protein function. Experimental studies have shown that this missense change does not substantially affect SH2B1 function (PMID: 24971614). In summary, the available evidence is currently insufficient to determine the role of this variant in disease. Therefore, it has been classified as a Variant of Uncertain Significance.

Literature cited by the submitters: PubMed 24971614 (cited by Labcorp Genetics (formerly Invitae), Labcorp).